The following is an entry in ClinVar:

ClinVar aggregate classification (germline): Pathogenic (1 of 4 stars; one submission).

Submission:

CeGaT Center for Human Genetics Tuebingen
Classification: Pathogenic. Last evaluated: 2022-03-01. Review status: criteria provided, single submitter. Criteria: CeGaT Center For Human Genetics Tuebingen Variant Classification Criteria Version 2. Collection method: clinical testing. Allele origin: germline. Affected: yes. Observed: 1 variant allele.
Comment: SPTBN4: PVS1, PM2, PS2:Moderate

NM_020971.3(SPTBN4):c.6320_6336+10del

Gene: SPTBN4 (spectrin beta, non-erythrocytic 4; plus strand). Cytogenetic location: 19q13.2.
Variant type: Deletion.
Coding change: c.6320_6336+10del on transcript NM_020971.3 (MANE Select); coding-DNA position 6320 through 10 bases into the intron after coding-DNA position 6336, 27 bases deleted (TGCGGCGCCTGACCACGGTCAGCTCCC).
Molecular consequence: splice donor variant.
Genome position (GRCh38, 1-based): chr19:40,566,343-40,566,369, TGCGGCGCCTGACCACGGTCAGCTCCC deleted; deleting any 27 consecutive bases within chr19:40,566,342-40,566,369 gives the same sequence; the c. name uses the placement nearest the transcript's 3' end. VCF-style (leftmost placement, unchanged base first): chr19-40566341-TCTGCGGCGCCTGACCACGGTCAGCTCC-T. GRCh37 (hg19) VCF-style: chr19-41072247-TCTGCGGCGCCTGACCACGGTCAGCTCC-T.
Identifiers: ClinVar variation 1675743 (VCV001675743.33), dbSNP rs2145952062, ClinGen allele CA2573156372.